The following is an entry in ClinVar:

ClinVar aggregate classification (germline): Uncertain significance. Review status: criteria provided, multiple submitters, no conflicts (2 of 4 stars). 3 submissions from 3 submitters: Uncertain significance (3). Last evaluated 2024-07-20.

Conditions:
Fabry disease. Also called: Fabry's disease; ALPHA-GALACTOSIDASE A DEFICIENCY; ANDERSON-FABRY DISEASE; CERAMIDE TRIHEXOSIDASE DEFICIENCY; GLA DEFICIENCY; HEREDITARY DYSTOPIC LIPIDOSIS. Identifiers: Orphanet 324, MedGen C0002986, MONDO:0010526, OMIM 301500, HP:0001071. Disease mechanism: Fabry disease is due to inactivating mutations in the X-linked GLA gene resulting in deficiency of the enzyme Alpha Galactosidase-A., loss of function.

Submissions (3):

All of Us Research Program, National Institutes of Health
Classification: Uncertain significance for Fabry disease. Last evaluated: 2024-07-20. Review status: criteria provided, single submitter. Criteria: ACMG Guidelines, 2015. Collection method: clinical testing. Allele origin: germline. Inheritance: X-linked inheritance. Observed: 1 variant allele, 1 heterozygote.
Comment: This missense variant replaces alanine with serine at codon 291 of the GLA protein. Computational prediction tools indicate that this variant has a deleterious impact on protein structure and function.). To our knowledge, functional studies have not been reported for this variant. This variant has not been reported in individuals affected with GLA-related disorders in the literature. This variant has not been identified in the general population by the Genome Aggregation Database (gnomAD). The available evidence is insufficient to determine the role of this variant in disease conclusively. Therefore, this variant is classified as a Variant of Uncertain Significance.

This study involves interpretation of variants in research participants for the purpose of population health screening. Participant phenotype was not available at the time of variant classification. Additional details can be found in publication PMID: 35346344, PMCID: PMC8962531

Labcorp Genetics (formerly Invitae), Labcorp
Classification: Uncertain significance for Fabry disease. Last evaluated: 2023-03-13. Review status: criteria provided, single submitter. Criteria: Invitae Variant Classification Sherloc (09022015). Collection method: clinical testing. Allele origin: germline.
Comment: This variant is not present in population databases (gnomAD no frequency). This sequence change replaces alanine, which is neutral and non-polar, with serine, which is neutral and polar, at codon 291 of the GLA protein (p.Ala291Ser). This variant has not been reported in the literature in individuals affected with GLA-related conditions. In summary, the available evidence is currently insufficient to determine the role of this variant in disease. Therefore, it has been classified as a Variant of Uncertain Significance. This variant disrupts the p.Ala291 amino acid residue in GLA. Other variant(s) that disrupt this residue have been determined to be pathogenic (PMID: 18046674, 23935525). This suggests that this residue is clinically significant, and that variants that disrupt this residue are likely to be disease-causing. Advanced modeling of protein sequence and biophysical properties (such as structural, functional, and spatial information, amino acid conservation, physicochemical variation, residue mobility, and thermodynamic stability) performed at Invitae indicates that this missense variant is not expected to disrupt GLA protein function. ClinVar contains an entry for this variant (Variation ID: 1217371).

Genome-Nilou Lab
Classification: Uncertain significance for Fabry disease. Last evaluated: 2021-07-22. Review status: criteria provided, single submitter. Criteria: ACMG Guidelines, 2015. Collection method: clinical testing. Allele origin: germline. Affected: no.

Literature cited by the submitters: PubMed 18046674 (cited by Labcorp Genetics (formerly Invitae), Labcorp); PubMed 23935525 (cited by Labcorp Genetics (formerly Invitae), Labcorp).

NM_000169.3(GLA):c.871G>T (p.Ala291Ser)

Genes: GLA (galactosidase alpha; minus strand), RPL36A-HNRNPH2 (RPL36A-HNRNPH2 readthrough; plus strand). Cytogenetic location: Xq22.1.
Variant type: single nucleotide variant.
Coding change: c.871G>T on transcript NM_000169.3 (MANE Select); coding-DNA position 871, G replaced by T.
Protein change: p.Ala291Ser; replaces alanine 291 with serine.
Molecular consequence: missense variant. On other transcripts: non-coding transcript variant (3), intron variant (2).
Genome position (GRCh38, 1-based): chrX:101,398,498, C>A on the plus strand (G>T on the coding strand, the complement: GLA is on the minus strand). VCF-style: chrX-101398498-C-A. GRCh37 (hg19) VCF-style: chrX-100653486-C-A.
Other names: c.994G>T, p.Ala332Ser (NM_001406747.1); c.871G>T, p.Ala291Ser (NM_001406748.1); c.300+3041C>A (NM_001199973.2); c.177+6676C>A (NM_001199974.2); short protein forms A291S, A332S.
Identifiers: ClinVar variation 1217371 (VCV001217371.7), dbSNP rs869312439, ClinGen allele CA413922596.
Genomic context (GRCh38, chrX:101,398,498, plus strand): 5'-GGAGAGCTTTGGCTTGAGGGCTGATGTGTCGGAGGTCATTAGACATGAATAAAGGAGCAG[C>A]CATGATAGCCCAGAGGGCCATCTGAGTTACTTGCTGATTCCAGCTGAGGCCAAAGTTGCC-3'
Protein context (NP_000160.1, residues 281-301): VTQMALWAIM[Ala291Ser]APLFMSNDLR